The following is an entry in ClinVar:

ClinVar aggregate classification (germline): Uncertain significance. Review status: criteria provided, multiple submitters, no conflicts (2 of 4 stars). 2 submissions from 2 submitters: Uncertain significance (2). Last evaluated 2025-11-21.

Allele frequency attached by ClinVar (database versions not stated): gnomAD 0.00001; gnomAD exomes 0.00001; ExAC 0.00003; TOPMed 0.00004; ESP Exome Variant Server 0.00008.
gnomAD v4.1: 21 of 1,613,894 alleles (0.0013%); highest among the groups gnomAD compares: Admixed American, 0.028%; no homozygotes.

Submissions (2):

Labcorp Genetics (formerly Invitae), Labcorp
Classification: Uncertain significance. Last evaluated: 2025-11-21. Review status: criteria provided, single submitter. Criteria: Invitae Variant Classification Sherloc (09022015). Collection method: clinical testing. Allele origin: germline.
Comment: This sequence change replaces proline, which is neutral and non-polar, with leucine, which is neutral and non-polar, at codon 571 of the ANKZF1 protein (p.Pro571Leu). This variant is present in population databases (rs377436180, gnomAD 0.03%). This variant has not been reported in the literature in individuals affected with ANKZF1-related conditions. ClinVar contains an entry for this variant (Variation ID: 2041387). An algorithm developed to predict the effect of missense changes on protein structure and function (PolyPhen-2) suggests that this variant is likely to be disruptive. In summary, the available evidence is currently insufficient to determine the role of this variant in disease. Therefore, it has been classified as a Variant of Uncertain Significance.

Ambry Genetics
Classification: Uncertain significance. Last evaluated: 2025-08-08. Review status: criteria provided, single submitter. Criteria: Ambry Variant Classification Scheme 2023. Collection method: clinical testing. Allele origin: germline.

NM_018089.3(ANKZF1):c.1712C>T (p.Pro571Leu)

Gene: ANKZF1 (ankyrin repeat and zinc finger peptidyl tRNA hydrolase 1; plus strand). Cytogenetic location: 2q35.
Variant type: single nucleotide variant.
Coding change: c.1712C>T on transcript NM_018089.3 (MANE Select); coding-DNA position 1712, C replaced by T.
Protein change: p.Pro571Leu; replaces proline 571 with leucine.
Molecular consequence: missense variant.
Genome position (GRCh38, 1-based): chr2:219,235,494, C>T. VCF-style: chr2-219235494-C-T. GRCh37 (hg19) VCF-style: chr2-220100216-C-T.
Other names: c.1712C>T, p.Pro571Leu (NM_001042410.2); c.1082C>T, p.Pro361Leu (NM_001282792.2); c.1712C>T (NM_018089.2); short protein forms P571L, P361L.
Identifiers: ClinVar variation 2041387 (VCV002041387.5), dbSNP rs377436180, ClinGen allele CA2121147.